The following is an entry in ClinVar:

NM_031407.7(HUWE1):c.2768A>G (p.Asn923Ser)

Gene: HUWE1 (HECT, UBA and WWE domain containing E3 ubiquitin protein ligase 1; minus strand). Cytogenetic location: Xp11.22.
Variant type: single nucleotide variant.
Coding change: c.2768A>G on transcript NM_031407.7 (MANE Select); coding-DNA position 2768, A replaced by G.
Protein change: p.Asn923Ser; replaces asparagine 923 with serine.
Molecular consequence: missense variant.
Genome position (GRCh38, 1-based): chrX:53,603,476, T>C on the plus strand (A>G on the coding strand, the complement: HUWE1 is on the minus strand). VCF-style: chrX-53603476-T-C. GRCh37 (hg19) VCF-style: chrX-53630437-T-C.
Other names: short protein forms N923S.
Identifiers: ClinVar variation 3634932 (VCV003634932.2).

ClinVar aggregate classification (germline): Uncertain significance (1 of 4 stars; one submission).

Submission:

Labcorp Genetics (formerly Invitae), Labcorp
Classification: Uncertain significance. Last evaluated: 2024-04-15. Review status: criteria provided, single submitter. Criteria: Invitae Variant Classification Sherloc (09022015). Collection method: clinical testing. Allele origin: germline.
Comment: This sequence change replaces asparagine, which is neutral and polar, with serine, which is neutral and polar, at codon 923 of the HUWE1 protein (p.Asn923Ser). This variant is not present in population databases (gnomAD no frequency). This variant has not been reported in the literature in individuals affected with HUWE1-related conditions. Advanced modeling of protein sequence and biophysical properties (such as structural, functional, and spatial information, amino acid conservation, physicochemical variation, residue mobility, and thermodynamic stability) has been performed at Invitae for this missense variant, however the output from this modeling did not meet the statistical confidence thresholds required to predict the impact of this variant on HUWE1 protein function. In summary, the available evidence is currently insufficient to determine the role of this variant in disease. Therefore, it has been classified as a Variant of Uncertain Significance.